The following is an entry in ClinVar:

NM_005902.4(SMAD3):c.-5C>T

Genes: SMAD3 (SMAD family member 3; plus strand), LOC130057352 (ATAC-STARR-seq lymphoblastoid silent region 6574; plus strand). Cytogenetic location: 15q22.33.
Variant type: single nucleotide variant.
Coding change: c.-5C>T on transcript NM_005902.4 (MANE Select); 5 bases upstream of the start codon, C replaced by T.
Molecular consequence: 5 prime UTR variant.
Genome position (GRCh38, 1-based): chr15:67,066,150, C>T. VCF-style: chr15-67066150-C-T. GRCh37 (hg19) VCF-style: chr15-67358488-C-T.
Other names: c.-5C>T (NM_001407011.1, NM_001407012.1, NM_001407013.1).
Identifiers: ClinVar variation 3075115 (VCV003075115.1), dbSNP rs1292391353, ClinGen allele CA618961959.

ClinVar aggregate classification (germline): Uncertain significance (1 of 4 stars; one submission).

Conditions:
Aneurysm-osteoarthritis syndrome. Also called: SMAD3-Related Loeys-Dietz Syndrome; ANEURYSMS-OSTEOARTHRITIS SYNDROME; Loeys-Dietz syndrome, type 1C; LOEYS-DIETZ SYNDROME WITH OSTEOARTHRITIS. Identifiers: Orphanet 284984, MedGen C3151087, MONDO:0013426, OMIM 613795.

Submission:

All of Us Research Program, National Institutes of Health
Classification: Uncertain significance for Aneurysm-osteoarthritis syndrome. Last evaluated: 2023-12-18. Review status: criteria provided, single submitter. Criteria: ACMG Guidelines, 2015. Collection method: clinical testing. Allele origin: germline. Inheritance: Autosomal dominant inheritance. Observed: 1 variant allele, 1 heterozygote.
Comment: This variant is located in the 5' untranslated region of the SMAD3 gene. To our knowledge, functional studies have not been reported for this variant. This variant has not been reported in individuals affected with SMAD3-related disorders in the literature. This variant has not been identified in the general population by the Genome Aggregation Database (gnomAD). The available evidence is insufficient to determine the role of this variant in disease conclusively. Therefore, this variant is classified as a Variant of Uncertain Significance.

This study involves interpretation of variants in research participants for the purpose of population health screening. Participant phenotype was not available at the time of variant classification. Additional details can be found in publication PMID: 35346344, PMCID: PMC8962531